The following is an entry in ClinVar:

NC_000002.12:g.121530973A>G

Genes: CLASP1 (cytoplasmic linker associated protein 1; minus strand), CLASP1-AS1 (CLASP1 antisense RNA 1; plus strand), RNU4ATAC (RNA, U4atac small nuclear; plus strand). Cytogenetic location: 2q14.2.
Variant type: single nucleotide variant.
Molecular consequence: intron variant (on NM_001395891.1).
Genome position: GRCh38 VCF-style: chr2-121530973-A-G. GRCh37 (hg19) VCF-style: chr2-122288549-A-G.
Other names: c.196-648T>C (NM_001142274.2, NM_015282.3, NM_001378003.1 and 5 more transcripts).
Identifiers: ClinVar variation 1351983 (VCV001351983.3), dbSNP rs1431191518, ClinGen allele CA428888127.

ClinVar aggregate classification (germline): Uncertain significance (1 of 4 stars; one submission).

Allele frequency attached by ClinVar (database versions not stated): gnomAD 0.00001; gnomAD exomes 0.00002; TOPMed 0.00002.
gnomAD v4.1: 12 of 700,210 alleles (0.0017%); highest among the groups gnomAD compares: Non-Finnish European, 0.0029%; no homozygotes.

Submission:

Labcorp Genetics (formerly Invitae), Labcorp
Classification: Uncertain significance. Last evaluated: 2022-07-28. Review status: criteria provided, single submitter. Criteria: Invitae Variant Classification Sherloc (09022015). Collection method: clinical testing. Allele origin: germline.
Comment: This variant occurs in the RNU4ATAC gene, which encodes an RNA molecule that does not result in a protein product. This variant is present in population databases (no rsID available, gnomAD 0.004%). This variant has not been reported in the literature in individuals affected with RNU4ATAC-related conditions. ClinVar contains an entry for this variant (Variation ID: 1351983). Experimental studies and prediction algorithms are not available or were not evaluated, and the functional significance of this variant is currently unknown. In summary, the available evidence is currently insufficient to determine the role of this variant in disease. Therefore, it has been classified as a Variant of Uncertain Significance.